The following is an entry in ClinVar:

NM_002206.3(ITGA7):c.1282-11T>C

Gene: ITGA7 (integrin subunit alpha 7; minus strand). Cytogenetic location: 12q13.2.
Variant type: single nucleotide variant.
Coding change: c.1282-11T>C on transcript NM_002206.3 (MANE Select); 11 bases into the intron before coding-DNA position 1282, T replaced by C.
Molecular consequence: intron variant.
Genome position (GRCh38, 1-based): chr12:55,697,833, A>G on the plus strand (T>C on the coding strand, the complement: ITGA7 is on the minus strand). VCF-style: chr12-55697833-A-G. GRCh37 (hg19) VCF-style: chr12-56091617-A-G.
Other names: c.1003-11T>C (NM_001144997.2); c.955-11T>C (NM_001367993.1); c.943-11T>C (NM_001414035.1); c.1099-11T>C (NM_001414033.1); c.-11-63T>C (NM_001367994.1); c.1162-11T>C (NM_001414032.1); c.1195-11T>C (NM_001414031.1); c.1282-11T>C (NM_001374465.1, NM_001414034.1); and 3 more.
Identifiers: ClinVar variation 94031 (VCV000094031.17), dbSNP rs2293412, ClinGen allele CA147553.

ClinVar aggregate classification (germline): Benign. Review status: criteria provided, multiple submitters, no conflicts (2 of 4 stars). 6 submissions from 6 submitters: Benign (6). Last evaluated 2026-02-04.

Conditions:
Congenital muscular dystrophy due to integrin alpha-7 deficiency. Also called: Congenital muscular dystrophy with integrin alpha-7 deficiency; MYOPATHY, CONGENITAL, DUE TO INTEGRIN ALPHA-7 DEFICIENCY; Muscular dystrophy, congenital, due to ITGA7 deficiency. Identifiers: Orphanet 34520, MedGen C2750786, MONDO:0013177, OMIM 613204.

Allele frequency attached by ClinVar (database versions not stated): gnomAD exomes 0.54183 and 0.62273; ESP Exome Variant Server 0.56482; gnomAD 0.58963 and 0.59756; TOPMed 0.59730; 1000 Genomes Project 0.70268; ExAC 0.62061; 1000 Genomes Project 30x 0.69660.
gnomAD v4.1: 883,655 of 1,613,830 alleles (55%); highest among the groups gnomAD compares: East Asian, 94%; 250,449 homozygotes.

Submissions (6):

Labcorp Genetics (formerly Invitae), Labcorp
Classification: Benign for Congenital muscular dystrophy due to integrin alpha-7 deficiency. Last evaluated: 2026-02-04. Review status: criteria provided, single submitter. Criteria: Invitae Variant Classification Sherloc (09022015). Collection method: clinical testing. Allele origin: germline.

Genome-Nilou Lab
Classification: Benign for Congenital muscular dystrophy due to integrin alpha-7 deficiency. Last evaluated: 2021-08-19. Review status: criteria provided, single submitter. Criteria: ACMG Guidelines, 2015. Collection method: clinical testing. Allele origin: germline. Affected: no.

GeneDx
Classification: Benign. Last evaluated: 2016-01-05. Review status: criteria provided, single submitter. Criteria: GeneDx Variant Classification (06012015). Collection method: clinical testing. Allele origin: germline. Affected: yes.
Comment: This variant is considered likely benign or benign based on one or more of the following criteria: it is a conservative change, it occurs at a poorly conserved position in the protein, it is predicted to be benign by multiple in silico algorithms, and/or has population frequency not consistent with disease.

Eurofins Ntd Llc (ga)
Classification: Benign. Last evaluated: 2012-07-18. Review status: criteria provided, single submitter. Criteria: EGL Classification Definitions 2015. Collection method: clinical testing. Allele origin: germline. Observed: 33 variant alleles, 19 heterozygotes, 14 homozygotes.

Breakthrough Genomics
Classification: Benign. Review status: criteria provided, single submitter. Criteria: ACMG Guidelines, 2015. Collection method: not provided. Allele origin: germline. Inheritance: Autosomal recessive inheritance. Affected: yes.

PreventionGenetics, part of Exact Sciences
Classification: Benign. Review status: criteria provided, single submitter. Criteria: ACMG Guidelines, 2015. Collection method: clinical testing. Allele origin: germline.